The following is an entry in ClinVar:

NM_000155.4(GALT):c.1089G>C (p.Glu363Asp)

Gene: GALT (galactose-1-phosphate uridylyltransferase; plus strand). Cytogenetic location: 9p13.3.
Variant type: single nucleotide variant.
Coding change: c.1089G>C on transcript NM_000155.4 (MANE Select); coding-DNA position 1089, G replaced by C.
Protein change: p.Glu363Asp; replaces glutamic acid 363 with aspartic acid.
Molecular consequence: missense variant.
Genome position (GRCh38, 1-based): chr9:34,650,398, G>C. VCF-style: chr9-34650398-G-C. GRCh37 (hg19) VCF-style: chr9-34650395-G-C.
Other names: p.Glu363Asp; c.762G>C, p.Glu254Asp (NM_001258332.2); short protein forms E363D, E254D.
Identifiers: ClinVar variation 4541442 (VCV004541442.1).
Genomic context (GRCh38, chr9:34,650,398, plus strand): 5'-CCTCCTTAATTGCTCCCTGTCCCTTTTCCAGGCTGCAGAGAGACTAAGGGCACTTCCTGA[G>C]GTTCATTACCACCTGGGGCAGAAGGACAGGGAGACAGCAACCATCGCCTGACCACGCCGA-3'
Protein context (NP_000146.2, residues 353-373): QAAERLRALP[Glu363Asp]VHYHLGQKDR

ClinVar aggregate classification (germline): Uncertain significance (1 of 4 stars; one submission).

gnomAD v4.1: 2 of 1,613,990 alleles (0.00012%); highest among the groups gnomAD compares: Non-Finnish European, 0.00017%; no homozygotes.

Submission:

Mayo Clinic Laboratories, Mayo Clinic
Classification: Uncertain significance. Last evaluated: 2025-08-28. Review status: criteria provided, single submitter. Criteria: ACMG Guidelines, 2015. Collection method: clinical testing. Allele origin: germline. Observed: 1 variant allele.
Comment: PM2_supporting